The following is an entry in ClinVar:

NM_053042.3(ZNF518B):c.785G>C (p.Gly262Ala)

Gene: ZNF518B (zinc finger protein 518B; minus strand). Cytogenetic location: 4p16.1.
Variant type: single nucleotide variant.
Coding change: c.785G>C on transcript NM_053042.3 (MANE Select); coding-DNA position 785, G replaced by C.
Protein change: p.Gly262Ala; replaces glycine 262 with alanine.
Molecular consequence: missense variant.
Genome position (GRCh38, 1-based): chr4:10,445,544, C>G on the plus strand (G>C on the coding strand, the complement: ZNF518B is on the minus strand). VCF-style: chr4-10445544-C-G. GRCh37 (hg19) VCF-style: chr4-10447168-C-G.
Other names: c.785G>C, p.Gly262Ala (NM_001375816.1, NM_001375817.1); short protein forms G262A.
Identifiers: ClinVar variation 1296905 (VCV001296905.3), dbSNP rs66538112, ClinGen allele CA2858843.
Genomic context (GRCh38, chr4:10,445,544, plus strand): 5'-TTTGGTTCAGGTAACAACATGATATTGTGCATTTTGTCTTTATTTGCATGGAGAGAGAAA[C>G]CTGACAGTTGGTCTGACCACTTATTTTGAAATGTAGTCCGTGGATTGGAAGCTTTTAGAA-3'
Protein context (NP_444270.2, residues 252-272): FQNKWSDQLS[Gly262Ala]FSLHANKDKM

ClinVar aggregate classification (germline): Benign. Review status: criteria provided, multiple submitters, no conflicts (2 of 4 stars). 2 submissions from 2 submitters: Benign (2). Last evaluated 2019-01-19.

Allele frequency attached by ClinVar (database versions not stated): 1000 Genomes Project 30x 0.18941; 1000 Genomes Project 0.19109; ESP Exome Variant Server 0.20844; TOPMed 0.21609.
gnomAD v4.1: 415,157 of 1,613,828 alleles (26%); highest among the groups gnomAD compares: Admixed American, 31%; 55,154 homozygotes.

Submissions (2):

GeneDx
Classification: Benign. Last evaluated: 2019-01-19. Review status: criteria provided, single submitter. Criteria: GeneDx Variant Classification Process June 2021. Collection method: clinical testing. Allele origin: germline. Affected: yes.
Comment: This variant is associated with the following publications: (PMID: 30315176)

Breakthrough Genomics
Classification: Benign. Review status: criteria provided, single submitter. Criteria: ACMG Guidelines, 2015. Collection method: not provided. Allele origin: germline. Inheritance: Unknown mechanism. Affected: yes.